The following is an entry in ClinVar:

ClinVar aggregate classification (germline): Pathogenic (1 of 4 stars; one submission).

Submission:

Labcorp Genetics (formerly Invitae), Labcorp
Classification: Pathogenic. Last evaluated: 2024-04-17. Review status: criteria provided, single submitter. Criteria: Invitae Variant Classification Sherloc (09022015). Collection method: clinical testing. Allele origin: germline.
Comment: This sequence change creates a premature translational stop signal (p.Trp211Glyfs*17) in the GNB1 gene. It is expected to result in an absent or disrupted protein product. Loss-of-function variants in GNB1 are known to be pathogenic (PMID: 25485910, 27108799, 28087732, 32918542). This variant is not present in population databases (gnomAD no frequency). This variant has not been reported in the literature in individuals affected with GNB1-related conditions. ClinVar contains an entry for this variant (Variation ID: 2089091). For these reasons, this variant has been classified as Pathogenic.

Literature cited by the submitters: PubMed 25485910; PubMed 27108799; PubMed 28087732; PubMed 32918542.

NM_002074.5(GNB1):c.631_632del (p.Trp211fs)

Gene: GNB1 (G protein subunit beta 1; minus strand). Cytogenetic location: 1p36.33.
Variant type: Deletion.
Coding change: c.631_632del on transcript NM_002074.5 (MANE Select); coding-DNA positions 631 to 632, 2 bases deleted (TG; older notation c.631_632delTG).
Protein change: p.Trp211fs; shifts the reading frame from tryptophan 211.
Molecular consequence: frameshift variant.
Genome position (GRCh38, 1-based): chr1:1,790,462-1,790,463, CA deleted on the plus strand (TG on the coding strand, the reverse complement: GNB1 is on the minus strand). VCF-style (leftmost placement, unchanged base first): chr1-1790461-CCA-C. GRCh37 (hg19) VCF-style: chr1-1721900-CCA-C.
Other names: c.331_332del, p.Trp111fs (NM_001282538.2); c.631_632del, p.Trp211fs (NM_001282539.2); short protein forms W211fs, W111fs.
Identifiers: ClinVar variation 2089091 (VCV002089091.4), dbSNP rs2522261494, ClinGen allele CA2580060580.